The following is an entry in ClinVar:

NM_015046.7(SETX):c.6106+3dup

Gene: SETX (senataxin; minus strand). Cytogenetic location: 9q34.13.
Variant type: Duplication.
Coding change: c.6106+3dup on transcript NM_015046.7 (MANE Select); 3 bases into the intron after coding-DNA position 6106, one base duplicated (A; older notation c.6106+3dupA).
Molecular consequence: intron variant.
Genome position (GRCh38, 1-based): chr9:132,295,869, T duplicated on the plus strand (A on the coding strand, the reverse complement: SETX is on the minus strand). VCF-style (leftmost placement, unchanged base first): chr9-132295868-A-AT. GRCh37 (hg19) VCF-style: chr9-135171255-A-AT.
Other names: c.6106+3dup (NM_001351528.2, NM_001351527.2); c.6106+3dupA (NM_015046.5).
Identifiers: ClinVar variation 2435878 (VCV002435878.5), dbSNP rs1844639633, ClinGen allele CA1882141169.

ClinVar aggregate classification (germline): Uncertain significance. Review status: criteria provided, single submitter (1 of 4 stars). 2 submissions from 2 submitters: Uncertain significance (1). 1 of the submissions does not count toward it. Last evaluated 2022-04-02.

Conditions:
SETX-related disorder. Also called: SETX-related disorders; SETX-related condition. Identifiers: MedGen CN239403.

Allele frequency attached by ClinVar (database versions not stated): gnomAD exomes 0.00001.

Submissions (2):

Revvity Omics, Revvity
Classification: Uncertain significance. Last evaluated: 2022-04-02. Review status: criteria provided, single submitter. Criteria: ACMG Guidelines, 2015. Collection method: clinical testing. Allele origin: germline.

PreventionGenetics, part of Exact Sciences
Classification: Likely benign for SETX-related condition. Last evaluated: 2022-05-09. Review status: no assertion criteria provided. Collection method: clinical testing. Allele origin: germline. Not counted in ClinVar's aggregate classification.
Comment: This variant is classified as likely benign based on ACMG/AMP sequence variant interpretation guidelines (Richards et al. 2015 PMID: 25741868, with internal and published modifications).